The following is an entry in ClinVar:

NM_000059.4(BRCA2):c.106dup (p.Ser36fs)

Gene: BRCA2 (BRCA2 DNA repair associated; plus strand). Cytogenetic location: 13q13.1.
Variant type: Duplication.
Coding change: c.106dup on transcript NM_000059.4 (MANE Select); coding-DNA position 106, one base duplicated (T; older notation c.106dupT).
Protein change: p.Ser36fs; shifts the reading frame from serine 36.
Molecular consequence: frameshift variant.
Genome position (GRCh38, 1-based): chr13:32,319,115, T duplicated; the last of 3 consecutive T bases (chr13:32,319,113-32,319,115); duplicating any one gives the same sequence. VCF-style (leftmost placement, unchanged base first): chr13-32319112-C-CT. GRCh37 (hg19) VCF-style: chr13-32893249-C-CT.
Other names: 334insT; c.106dupT (NM_000059.3); short protein forms S36fs.
Identifiers: ClinVar variation 126005 (VCV000126005.2), dbSNP rs80359262, ClinGen allele CA010719.

ClinVar aggregate classification (germline): Pathogenic. Review status: reviewed by expert panel (3 of 4 stars). 2 submissions from 2 submitters: Pathogenic (1). 1 of the submissions does not count toward it. Last evaluated 2016-09-08.

Conditions:
Breast-ovarian cancer, familial, susceptibility to, 2 (BROVCA2). Also called: BRCA2 Hereditary Breast and Ovarian Cancer. Identifiers: Orphanet 145, MedGen C2675520, MONDO:0012933, OMIM 612555. Disease mechanism: loss of function.

Submissions (2):

Evidence-based Network for the Interpretation of Germline Mutant Alleles (ENIGMA)
Classification: Pathogenic for Breast-ovarian cancer, familial, susceptibility to, 2. Last evaluated: 2016-09-08. Review status: reviewed by expert panel. Criteria: ENIGMA BRCA1/2 Classification Criteria (2015). Collection method: curation. Allele origin: germline.
Comment: Variant allele predicted to encode a truncated non-functional protein.

Breast Cancer Information Core (BIC) (BRCA2)
Classification: Pathogenic for Breast-ovarian cancer, familial 2. Last evaluated: 2004-02-20. Review status: no assertion criteria provided. Collection method: clinical testing. Allele origin: germline. Affected: yes. Observed: 1 variant allele. Not counted in ClinVar's aggregate classification.